The following is an entry in ClinVar:

ClinVar aggregate classification (germline): Uncertain significance (1 of 4 stars; one submission).

Submission:

GeneDx
Classification: Uncertain significance. Last evaluated: 2017-06-21. Review status: criteria provided, single submitter. Criteria: GeneDx Variant Classification (06012015). Collection method: clinical testing. Allele origin: germline. Affected: yes.
Comment: A variant of uncertain significance has been identified in the SCN10A gene. The c.4985_4986delGC variant has not been published as pathogenic or been reported as benign to our knowledge. The c.4985_4986delGC variant is not observed in large population cohorts (Lek et al., 2016; 1000 Genomes Consortium et al., 2015; Exome Variant Server). This variant causes a shift in reading frame starting at codon Glycine 1662, changing it to a Valine, and creating a premature stop codon at position 17 of the new reading frame, denoted p.Gly1662ValfsX17. This variant may result in an abnormal truncated protein where the last 295 amino acids are replaced with 16 incorrect amino acids. However, the majority of pathogenic variants reported in the SCN10A gene are missense variants, and it is currently unknown whether protein truncation is a mechanism of disease for SCN10A-related disorders (Stenson et al., 2014).Therefore, based on the currently available information, it is unclear whether this variant is pathogenic or rare benign.

NM_006514.4(SCN10A):c.4985_4986del (p.Gly1662fs)

Gene: SCN10A (sodium voltage-gated channel alpha subunit 10; minus strand). Cytogenetic location: 3p22.2.
Variant type: Deletion.
Coding change: c.4985_4986del on transcript NM_006514.4 (MANE Select); coding-DNA positions 4985 to 4986, 2 bases deleted (GC; older notation c.4985_4986delGC).
Protein change: p.Gly1662fs; shifts the reading frame from glycine 1662.
Molecular consequence: frameshift variant.
Genome position (GRCh38, 1-based): chr3:38,698,234-38,698,235, GC deleted on the plus strand (GC on the coding strand, the reverse complement: SCN10A is on the minus strand). VCF-style (leftmost placement, unchanged base first): chr3-38698233-AGC-A. GRCh37 (hg19) VCF-style: chr3-38739724-AGC-A.
Other names: c.4982_4983del, p.Gly1661fs (NM_001293306.2); c.4691_4692del, p.Gly1564fs (NM_001293307.2); short protein forms G1564fs, G1661fs, G1662fs.
Identifiers: ClinVar variation 432896 (VCV000432896.2), dbSNP rs1553613042, ClinGen allele CA645372737.